The following is an entry in ClinVar:

ClinVar aggregate classification (germline): Conflicting classifications of pathogenicity. Review status: criteria provided, conflicting classifications (1 of 4 stars). 3 submissions from 3 submitters: Likely pathogenic (1); Uncertain significance (2). Last evaluated 2025-11-09.

Conditions:
LAMA2-related muscular dystrophy (LAMA2-RD). Also called: Laminin alpha 2-related dystrophy. Identifiers: MedGen C5679788, MONDO:0100228.
Muscular dystrophy, limb-girdle, autosomal recessive 23. Identifiers: Orphanet 565837, MedGen C4748327, MONDO:0029136, OMIM 618138.

Allele frequency attached by ClinVar (database versions not stated): ExAC 0.00001.
gnomAD v4.1: 1 of 1,613,756 alleles (0.000062%); highest among the groups gnomAD compares: Non-Finnish European, 0.000085%; no homozygotes.

Submissions (3):

Dasa
Classification: Likely pathogenic. Last evaluated: 2025-11-09. Review status: criteria provided, single submitter. Criteria: DASA Assertion Criteria. Collection method: clinical testing. Allele origin: germline.
Comment: NM_000426.4(LAMA2):c.2759G>A (p.Cys920Tyr) is a missense variant that results in the substitution of cysteine with tyrosine. This variant has been observed in affected individuals with LAMA2-related disorders. Published studies describe this variant in association with related phenotype (PMID: 30055037; PMID: 12552556). Also, this variant is rare in population databases. Computational evidence supports a deleterious effect. Based on the currently available evidence, this variant is classified as likely pathogenic.

3billion
Classification: Uncertain significance for Muscular dystrophy, limb-girdle, autosomal recessive 23. Last evaluated: 2024-06-20. Review status: criteria provided, single submitter. Criteria: ACMG Guidelines, 2015. Collection method: clinical testing. Allele origin: germline. Affected: yes.
Comment: The variant is observed at an extremely low frequency in the gnomAD v4.0.0 dataset (total allele frequency: <0.001%). Predicted Consequence/Location: The majority of the known disease-causing variants of this gene are variants expected to result in premature termination of the protein. In silico tool predictions suggest damaging effect of the variant on gene or gene product [REVEL: 0.90 (>=0.6, sensitivity 0.68 and specificity 0.92)]. Therefore, this variant is classified as VUS according to the recommendation of ACMG/AMP guideline.

Labcorp Genetics (formerly Invitae), Labcorp
Classification: Uncertain significance for LAMA2-related muscular dystrophy. Last evaluated: 2023-12-06. Review status: criteria provided, single submitter. Criteria: Invitae Variant Classification Sherloc (09022015). Collection method: clinical testing. Allele origin: germline.
Comment: This sequence change replaces cysteine, which is neutral and slightly polar, with tyrosine, which is neutral and polar, at codon 920 of the LAMA2 protein (p.Cys920Tyr). This variant is present in population databases (rs745890735, gnomAD 0.0009%). This variant has not been reported in the literature in individuals affected with LAMA2-related conditions. ClinVar contains an entry for this variant (Variation ID: 572413). Advanced modeling of protein sequence and biophysical properties (such as structural, functional, and spatial information, amino acid conservation, physicochemical variation, residue mobility, and thermodynamic stability) has been performed at Invitae for this missense variant, however the output from this modeling did not meet the statistical confidence thresholds required to predict the impact of this variant on LAMA2 protein function. In summary, the available evidence is currently insufficient to determine the role of this variant in disease. Therefore, it has been classified as a Variant of Uncertain Significance.

Literature cited by the submitters: PubMed 30055037 (cited by Dasa); PubMed 12552556 (cited by Dasa).

NM_000426.4(LAMA2):c.2759G>A (p.Cys920Tyr)

Gene: LAMA2 (laminin subunit alpha 2; plus strand). Cytogenetic location: 6q22.33.
Variant type: single nucleotide variant.
Coding change: c.2759G>A on transcript NM_000426.4 (MANE Select); coding-DNA position 2759, G replaced by A.
Protein change: p.Cys920Tyr; replaces cysteine 920 with tyrosine.
Molecular consequence: missense variant.
Genome position (GRCh38, 1-based): chr6:129,291,623, G>A. VCF-style: chr6-129291623-G-A. GRCh37 (hg19) VCF-style: chr6-129612768-G-A.
Other names: c.2759G>A, p.Cys920Tyr (NM_001079823.2); short protein forms C920Y.
Identifiers: ClinVar variation 572413 (VCV000572413.14), dbSNP rs745890735, ClinGen allele CA3993060.